The following is an entry in ClinVar:

NM_025077.4(TOE1):c.868G>A (p.Ala290Thr)

Gene: TOE1 (target of EGR1, exonuclease; plus strand). Cytogenetic location: 1p34.1.
Variant type: single nucleotide variant.
Coding change: c.868G>A on transcript NM_025077.4 (MANE Select); coding-DNA position 868, G replaced by A.
Protein change: p.Ala290Thr; replaces alanine 290 with threonine.
Molecular consequence: missense variant.
Genome position (GRCh38, 1-based): chr1:45,342,958, G>A. VCF-style: chr1-45342958-G-A. GRCh37 (hg19) VCF-style: chr1-45808630-G-A.
Other names: c.868G>A (NM_025077.3); short protein forms A290T.
Identifiers: ClinVar variation 2185350 (VCV002185350.8), dbSNP rs372284117, ClinGen allele CA826698.

ClinVar aggregate classification (germline): Conflicting classifications of pathogenicity. Review status: criteria provided, conflicting classifications (1 of 4 stars). 2 submissions from 2 submitters: Uncertain significance (1); Likely benign (1). Last evaluated 2025-11-24.

Conditions:
Inborn genetic diseases. Identifiers: MedGen C0950123, MeSH D030342.

Allele frequency attached by ClinVar (database versions not stated): gnomAD 0.00003; gnomAD exomes 0.00005; ESP Exome Variant Server 0.00008; TOPMed 0.00008; ExAC 0.00009.

Submissions (2):

Ambry Genetics
Classification: Likely benign for Inborn genetic diseases. Last evaluated: 2025-11-24. Review status: criteria provided, single submitter. Criteria: Ambry Variant Classification Scheme 2023. Collection method: clinical testing. Allele origin: germline.

Labcorp Genetics (formerly Invitae), Labcorp
Classification: Uncertain significance. Last evaluated: 2022-01-12. Review status: criteria provided, single submitter. Criteria: Invitae Variant Classification Sherloc (09022015). Collection method: clinical testing. Allele origin: germline.
Comment: This sequence change replaces alanine, which is neutral and non-polar, with threonine, which is neutral and polar, at codon 290 of the TOE1 protein (p.Ala290Thr). The frequency data for this variant in the population databases is considered unreliable, as metrics indicate poor data quality at this position in the gnomAD database. This variant has not been reported in the literature in individuals affected with TOE1-related conditions. Algorithms developed to predict the effect of missense changes on protein structure and function output the following: SIFT: "Tolerated"; PolyPhen-2: "Benign"; Align-GVGD: "Class C0". The threonine amino acid residue is found in multiple mammalian species, which suggests that this missense change does not adversely affect protein function. In summary, the available evidence is currently insufficient to determine the role of this variant in disease. Therefore, it has been classified as a Variant of Uncertain Significance.